The following is an entry in ClinVar:

NM_032383.5(HPS3):c.140C>T (p.Ala47Val)

Gene: HPS3 (HPS3 biogenesis of lysosomal organelles complex 2 subunit 1; plus strand). Cytogenetic location: 3q24.
Variant type: single nucleotide variant.
Coding change: c.140C>T on transcript NM_032383.5 (MANE Select); coding-DNA position 140, C replaced by T.
Protein change: p.Ala47Val; replaces alanine 47 with valine.
Molecular consequence: missense variant.
Genome position (GRCh38, 1-based): chr3:149,129,863, C>T. VCF-style: chr3-149129863-C-T. GRCh37 (hg19) VCF-style: chr3-148847650-C-T.
Other names: c.140C>T, p.Ala47Val (NM_001308258.2); short protein forms A47V.
Identifiers: ClinVar variation 3674627 (VCV003674627.2).
Genomic context (GRCh38, chr3:149,129,863, plus strand): 5'-GCGGGGGGCGTGACGCGCTTTTCGTGGCGGCGGGCTGCAAGGTGGAGGCGTTCGCGGTGG[C>T]CGGCCAGGAGCTGTGCCAGCCGCGGTGCGCCTTCTCCACGCTGGGCCGGGTGTTGCGCCT-3'
Protein context (NP_115759.2, residues 37-57): AGCKVEAFAV[Ala47Val]GQELCQPRCA

ClinVar aggregate classification (germline): Uncertain significance (1 of 4 stars; one submission).

Submission:

Labcorp Genetics (formerly Invitae), Labcorp
Classification: Uncertain significance. Last evaluated: 2024-12-24. Review status: criteria provided, single submitter. Criteria: Invitae Variant Classification Sherloc (09022015). Collection method: clinical testing. Allele origin: germline.
Comment: This sequence change replaces alanine, which is neutral and non-polar, with valine, which is neutral and non-polar, at codon 47 of the HPS3 protein (p.Ala47Val). This variant is not present in population databases (gnomAD no frequency). This variant has not been reported in the literature in individuals affected with HPS3-related conditions. Invitae Evidence Modeling of protein sequence and biophysical properties (such as structural, functional, and spatial information, amino acid conservation, physicochemical variation, residue mobility, and thermodynamic stability) indicates that this missense variant is not expected to disrupt HPS3 protein function with a negative predictive value of 80%. In summary, the available evidence is currently insufficient to determine the role of this variant in disease. Therefore, it has been classified as a Variant of Uncertain Significance.